The following is an entry in ClinVar:

ClinVar aggregate classification (germline): Uncertain significance. Review status: criteria provided, multiple submitters, no conflicts (2 of 4 stars). 2 submissions from 2 submitters: Uncertain significance (2). Last evaluated 2024-08-10.

Conditions:
Charcot-Marie-Tooth disease type 2. Also called: Charcot-Marie-Tooth type 2. Identifiers: Orphanet 64746, MedGen C0270914, MONDO:0018993.

Allele frequency attached by ClinVar (database versions not stated): gnomAD 0.00001.
gnomAD v4.1: 1 of 1,611,658 alleles (0.000062%); highest among the groups gnomAD compares: African/African-American, 0.0013%; no homozygotes.

Submissions (2):

Ambry Genetics
Classification: Uncertain significance. Last evaluated: 2024-08-10. Review status: criteria provided, single submitter. Criteria: Ambry Variant Classification Scheme 2023. Collection method: clinical testing. Allele origin: germline.
Comment: The p.F1134L variant (also known as c.3402T>G), located in coding exon 30 of the KIF1B gene, results from a T to G substitution at nucleotide position 3402. The phenylalanine at codon 1134 is replaced by leucine, an amino acid with highly similar properties. This amino acid position is conserved. In addition, this alteration is predicted to be tolerated by in silico analysis. Since supporting evidence is limited at this time, the clinical significance of this alteration remains unclear.

Labcorp Genetics (formerly Invitae), Labcorp
Classification: Uncertain significance for Charcot-Marie-Tooth disease type 2. Last evaluated: 2023-10-09. Review status: criteria provided, single submitter. Criteria: Invitae Variant Classification Sherloc (09022015). Collection method: clinical testing. Allele origin: germline.
Comment: This sequence change replaces phenylalanine, which is neutral and non-polar, with leucine, which is neutral and non-polar, at codon 1134 of the KIF1B protein (p.Phe1134Leu). This variant is not present in population databases (gnomAD no frequency). This variant has not been reported in the literature in individuals affected with KIF1B-related conditions. ClinVar contains an entry for this variant (Variation ID: 1731091). An algorithm developed to predict the effect of missense changes on protein structure and function (PolyPhen-2) suggests that this variant is likely to be disruptive. In summary, the available evidence is currently insufficient to determine the role of this variant in disease. Therefore, it has been classified as a Variant of Uncertain Significance.

NM_001365951.3(KIF1B):c.3540T>G (p.Phe1180Leu)

Gene: KIF1B (kinesin family member 1B; plus strand). Cytogenetic location: 1p36.22.
Variant type: single nucleotide variant.
Coding change: c.3540T>G on transcript NM_001365951.3 (MANE Select); coding-DNA position 3540, T replaced by G.
Protein change: p.Phe1180Leu; replaces phenylalanine 1180 with leucine.
Molecular consequence: missense variant.
Genome position (GRCh38, 1-based): chr1:10,342,076, T>G. VCF-style: chr1-10342076-T-G. GRCh37 (hg19) VCF-style: chr1-10402134-T-G.
Other names: c.3540T>G, p.Phe1180Leu (NM_001365952.1); c.3402T>G, p.Phe1134Leu (NM_015074.3); short protein forms F1134L, F1180L.
Identifiers: ClinVar variation 1731091 (VCV001731091.6), dbSNP rs1557725467, ClinGen allele CA338341581.
Genomic context (GRCh38, chr1:10,342,076, plus strand): 5'-CTTGTAATCTTTTCCTAATCTTGCTTGGCTTTAGATTGCAGTGGAGATCACTGAATCATT[T>G]GTGGATTACATCAAAACCAAGCCTATTGTATTTGAAGTCTTTGGGCATTATCAGCAGCAC-3'
Protein context (NP_001352880.1, residues 1170-1190): QNIAVEITES[Phe1180Leu]VDYIKTKPIV